The following is an entry in ClinVar:

NM_002474.3(MYH11):c.5308A>C (p.Ser1770Arg)

Genes: NDE1 (nudE neurodevelopment protein 1; plus strand), MYH11 (myosin heavy chain 11; minus strand). Cytogenetic location: 16p13.11.
Variant type: single nucleotide variant.
Coding change: c.5308A>C on transcript NM_002474.3 (MANE Select); coding-DNA position 5308, A replaced by C.
Protein change: p.Ser1770Arg; replaces serine 1770 with arginine.
Molecular consequence: missense variant. On other transcripts: intron variant (2).
Genome position (GRCh38, 1-based): chr16:15,717,336, T>G on the plus strand (A>C on the coding strand, the complement: MYH11 is on the minus strand). VCF-style: chr16-15717336-T-G. GRCh37 (hg19) VCF-style: chr16-15811193-T-G.
Other names: c.5329A>C, p.Ser1777Arg (NM_001040113.2, NM_001040114.2); c.5308A>C, p.Ser1770Arg (NM_022844.3); c.948-6855T>G (NM_001143979.2, NM_017668.3); short protein forms S1777R, S1770R.
Identifiers: ClinVar variation 1746733 (VCV001746733.2), dbSNP rs1298031576, ClinGen allele CA394849398.
Genomic context (GRCh38, chr16:15,717,336, plus strand): 5'-GCTGCTGCCGGGCACTCTCATTCTTCTGGGCCGTGCTGCGCTCTGTGGCCAGCTCGTTGC[T>G]GAGCTGCTCGGCCTGGGGAGGAGAGTGAAGGCCATGAGGCGGACTCAGGGAAGCCCAAGA-3'
Protein context (NP_002465.1, residues 1760-1780): RKATQQAEQL[Ser1770Arg]NELATERSTA

ClinVar aggregate classification (germline): Uncertain significance (1 of 4 stars; one submission).

Conditions:
Familial thoracic aortic aneurysm and aortic dissection (TAAD). Also called: Thoracic aortic aneurysms and dissections. Identifiers: Orphanet 91387, MedGen C4707243, MONDO:0019625.

Submission:

Ambry Genetics
Classification: Uncertain significance for Familial thoracic aortic aneurysm and aortic dissection. Last evaluated: 2021-07-30. Review status: criteria provided, single submitter. Criteria: Ambry Variant Classification Scheme 2023. Collection method: clinical testing. Allele origin: germline.
Comment: The p.S1770R variant (also known as c.5308A>C), located in coding exon 37 of the MYH11 gene, results from an A to C substitution at nucleotide position 5308. The serine at codon 1770 is replaced by arginine, an amino acid with dissimilar properties. This amino acid position is conserved. In addition, this alteration is predicted to be tolerated by in silico analysis. Since supporting evidence is limited at this time, the clinical significance of this alteration remains unclear.